The following is an entry in ClinVar:

NM_001039469.3(MARK2):c.370del (p.Thr124fs)

Gene: MARK2 (microtubule affinity regulating kinase 2; plus strand). Cytogenetic location: 11q13.1.
Variant type: Deletion.
Coding change: c.370del on transcript NM_001039469.3 (MANE Select); coding-DNA position 370, one base deleted (A; older notation c.370delA).
Protein change: p.Thr124fs; shifts the reading frame from threonine 124.
Molecular consequence: frameshift variant.
Genome position (GRCh38, 1-based): chr11:63,898,640, A deleted; the last of 4 consecutive A bases (chr11:63,898,637-63,898,640); deleting any one gives the same sequence. VCF-style (leftmost placement, unchanged base first): chr11-63898636-GA-G. GRCh37 (hg19) VCF-style: chr11-63666108-GA-G.
Other names: c.370del, p.Thr124fs (NM_001163296.2, NM_001163297.2, NM_004954.5); c.271del, p.Thr91fs (NM_017490.4); short protein forms T124fs, T91fs.
Identifiers: ClinVar variation 3378054 (VCV003378054.1).

ClinVar aggregate classification (germline): Uncertain significance (1 of 4 stars; one submission).

Submission:

GeneDx
Classification: Uncertain significance. Last evaluated: 2022-07-13. Review status: criteria provided, single submitter. Criteria: GeneDx Variant Classification Process June 2021. Collection method: clinical testing. Allele origin: germline. Affected: yes.
Comment: Not observed at significant frequency in large population cohorts (gnomAD); Frameshift variant predicted to result in protein truncation or nonsense mediated decay in a gene or region of a gene for which loss of function is not a well-established mechanism of disease; Has not been previously published as pathogenic or benign to our knowledge; Variants in candidate genes are classified as variants of uncertain significance in accordance with ACMG guidelines (Richards et al., 2015)